The following is an entry in ClinVar:

ClinVar aggregate classification (germline): Uncertain significance. Review status: criteria provided, multiple submitters, no conflicts (2 of 4 stars). 3 submissions from 3 submitters: Uncertain significance (3). Last evaluated 2025-05-05.

Conditions:
Inborn genetic diseases. Identifiers: MedGen C0950123, MeSH D030342.
MYO18B-related disorder. Also called: MYO18B-related condition.

Allele frequency attached by ClinVar (database versions not stated): gnomAD exomes 0.00001 and 0.00006; ExAC 0.00007; gnomAD 0.00013 and 0.00016; 1000 Genomes Project 30x 0.00016; TOPMed 0.00016; 1000 Genomes Project 0.00020; ESP Exome Variant Server 0.00024.
gnomAD v4.1: 39 of 1,614,062 alleles (0.0024%); highest among the groups gnomAD compares: African/African-American, 0.048%; no homozygotes.

Submissions (3):

Ambry Genetics
Classification: Uncertain significance for Inborn genetic diseases. Last evaluated: 2025-05-05. Review status: criteria provided, single submitter. Criteria: Ambry Variant Classification Scheme 2023. Collection method: clinical testing. Allele origin: germline.

PreventionGenetics, part of Exact Sciences
Classification: Uncertain significance for MYO18B-related condition. Last evaluated: 2025-02-26. Review status: criteria provided, single submitter. Criteria: ACMG Guidelines, 2015. Collection method: clinical testing. Allele origin: germline.
Comment: The MYO18B c.6196C>G variant is predicted to result in the amino acid substitution p.Leu2066Val. To our knowledge, this variant has not been reported in the literature. This variant is reported in 0.074% of alleles in individuals of African descent in gnomAD. Although we suspect that this variant may be benign, at this time, the clinical significance of this variant is uncertain due to the absence of conclusive functional and genetic evidence.

Labcorp Genetics (formerly Invitae), Labcorp
Classification: Uncertain significance. Last evaluated: 2022-07-06. Review status: criteria provided, single submitter. Criteria: Invitae Variant Classification Sherloc (09022015). Collection method: clinical testing. Allele origin: germline.
Comment: This sequence change replaces leucine with valine at codon 2066 of the MYO18B protein (p.Leu2066Val). The leucine residue is highly conserved and there is a small physicochemical difference between leucine and valine. This variant is present in population databases (rs371671774, gnomAD 0.07%). This variant has not been reported in the literature in individuals affected with MYO18B-related conditions. ClinVar contains an entry for this variant (Variation ID: 1416829). Algorithms developed to predict the effect of missense changes on protein structure and function are either unavailable or do not agree on the potential impact of this missense change (SIFT: "Not Available"; PolyPhen-2: "Probably Damaging"; Align-GVGD: "Not Available"). In summary, the available evidence is currently insufficient to determine the role of this variant in disease. Therefore, it has been classified as a Variant of Uncertain Significance.

NM_032608.7(MYO18B):c.6196C>G (p.Leu2066Val)

Gene: MYO18B (myosin XVIIIB; plus strand). Cytogenetic location: 22q12.1.
Variant type: single nucleotide variant.
Coding change: c.6196C>G on transcript NM_032608.7 (MANE Select); coding-DNA position 6196, C replaced by G.
Protein change: p.Leu2066Val; replaces leucine 2066 with valine.
Molecular consequence: missense variant.
Genome position (GRCh38, 1-based): chr22:25,992,402, C>G. VCF-style: chr22-25992402-C-G. GRCh37 (hg19) VCF-style: chr22-26388368-C-G.
Other names: c.6199C>G, p.Leu2067Val (NM_001318245.2); c.6196C>G (NM_032608.5, NM_032608.6); short protein forms L2066V, L2067V.
Identifiers: ClinVar variation 1416829 (VCV001416829.5), dbSNP rs371671774, ClinGen allele CA10161440.